The following is an entry in ClinVar:

NM_138713.4(NFAT5):c.3346C>T (p.Pro1116Ser)

Gene: NFAT5 (nuclear factor of activated T cells 5; plus strand). Cytogenetic location: 16q22.1.
Variant type: single nucleotide variant.
Coding change: c.3346C>T on transcript NM_138713.4 (MANE Select); coding-DNA position 3346, C replaced by T.
Protein change: p.Pro1116Ser; replaces proline 1116 with serine.
Molecular consequence: missense variant.
Genome position (GRCh38, 1-based): chr16:69,693,171, C>T. VCF-style: chr16-69693171-C-T. GRCh37 (hg19) VCF-style: chr16-69727074-C-T.
Other names: c.3346C>T, p.Pro1116Ser (LRG_1332t1); c.3343C>T, p.Pro1115Ser (NM_001113178.3); c.2671C>T, p.Pro891Ser (NM_001367709.1); c.3292C>T, p.Pro1098Ser (NM_006599.4); c.3064C>T, p.Pro1022Ser (NM_138714.4, NM_173214.3, NM_173215.3); short protein forms P1022S, P1116S, P1115S, P891S, P1098S.
Identifiers: ClinVar variation 646135 (VCV000646135.8), dbSNP rs1346250715, ClinGen allele CA396512814.

ClinVar aggregate classification (germline): Uncertain significance (1 of 4 stars; one submission).

Conditions:
Immunodeficiency. Identifiers: MedGen C0021051, MONDO:0021094, HP:0002721.

Allele frequency attached by ClinVar (database versions not stated): gnomAD exomes below 0.00001 and 0.00001; gnomAD 0.00001.
gnomAD v4.1: 18 of 1,613,992 alleles (0.0011%); highest among the groups gnomAD compares: East Asian, 0.0067%; no homozygotes.

Submission:

Labcorp Genetics (formerly Invitae), Labcorp
Classification: Uncertain significance for Immunodeficiency. Last evaluated: 2025-04-17. Review status: criteria provided, single submitter. Criteria: Invitae Variant Classification Sherloc (09022015). Collection method: clinical testing. Allele origin: germline.
Comment: This sequence change replaces proline, which is neutral and non-polar, with serine, which is neutral and polar, at codon 1022 of the NFAT5 protein (p.Pro1022Ser). This variant is present in population databases (no rsID available, gnomAD 0.002%). This variant has not been reported in the literature in individuals affected with NFAT5-related conditions. ClinVar contains an entry for this variant (Variation ID: 646135). An algorithm developed to predict the effect of missense changes on protein structure and function (PolyPhen-2) suggests that this variant is likely to be tolerated. In summary, the available evidence is currently insufficient to determine the role of this variant in disease. Therefore, it has been classified as a Variant of Uncertain Significance.